The following is an entry in ClinVar:

NM_001256789.3(CACNA1F):c.1688T>G (p.Val563Gly)

Gene: CACNA1F (calcium voltage-gated channel subunit alpha1 F; minus strand). Cytogenetic location: Xp11.23.
Variant type: single nucleotide variant.
Coding change: c.1688T>G on transcript NM_001256789.3 (MANE Select); coding-DNA position 1688, T replaced by G.
Protein change: p.Val563Gly; replaces valine 563 with glycine.
Molecular consequence: missense variant.
Genome position (GRCh38, 1-based): chrX:49,224,950, A>C on the plus strand (T>G on the coding strand, the complement: CACNA1F is on the minus strand). VCF-style: chrX-49224950-A-C. GRCh37 (hg19) VCF-style: chrX-49081412-A-C.
Other names: c.1526T>G, p.Val509Gly (NM_001256790.3); c.1721T>G, p.Val574Gly (NM_005183.4); short protein forms V509G, V563G, V574G.
Identifiers: ClinVar variation 2098984 (VCV002098984.4), dbSNP rs1557109539, ClinGen allele CA412915470.

ClinVar aggregate classification (germline): Uncertain significance (1 of 4 stars; one submission).

Allele frequency attached by ClinVar (database versions not stated): TOPMed below 0.00001; gnomAD exomes 0.00001.
gnomAD v4.1: 9 of 1,201,281 alleles (0.00075%); highest among the groups gnomAD compares: Non-Finnish European, 0.0009%; no homozygotes.

Submission:

Labcorp Genetics (formerly Invitae), Labcorp
Classification: Uncertain significance. Last evaluated: 2022-02-18. Review status: criteria provided, single submitter. Criteria: Invitae Variant Classification Sherloc (09022015). Collection method: clinical testing. Allele origin: germline.
Comment: In summary, the available evidence is currently insufficient to determine the role of this variant in disease. Therefore, it has been classified as a Variant of Uncertain Significance. Algorithms developed to predict the effect of missense changes on protein structure and function are either unavailable or do not agree on the potential impact of this missense change (SIFT: "Deleterious"; PolyPhen-2: "Benign"; Align-GVGD: "Class C0"). This variant has not been reported in the literature in individuals affected with CACNA1F-related conditions. This variant is present in population databases (no rsID available, gnomAD 0.001%). This sequence change replaces valine, which is neutral and non-polar, with glycine, which is neutral and non-polar, at codon 574 of the CACNA1F protein (p.Val574Gly).